The following is an entry in ClinVar:

ClinVar aggregate classification (germline): Benign/Likely benign. Review status: criteria provided, multiple submitters, no conflicts (2 of 4 stars). 4 submissions from 4 submitters: Benign (2); Likely benign (1). 1 of the submissions does not count toward it. Last evaluated 2026-07-01.

Conditions:
HEPHL1-related disorder. Also called: HEPHL1-related condition.

Allele frequency attached by ClinVar (database versions not stated): 1000 Genomes Project 30x 0.00265; 1000 Genomes Project 0.00280; TOPMed 0.00579; ESP Exome Variant Server 0.00848.
gnomAD v4.1: 13,342 of 1,613,878 alleles (0.83%); highest among the groups gnomAD compares: Non-Finnish European, 0.98%; 71 homozygotes.

Submissions (4):

CeGaT Center for Human Genetics Tuebingen
Classification: Likely benign. Last evaluated: 2026-07-01. Review status: criteria provided, single submitter. Criteria: CeGaT Center For Human Genetics Tuebingen Variant Classification Criteria Version 2. Collection method: clinical testing. Allele origin: germline. Affected: yes. Observed: 5 variant alleles.
Comment: HEPHL1: BP4, BS2

Labcorp Genetics (formerly Invitae), Labcorp
Classification: Benign. Last evaluated: 2018-05-10. Review status: criteria provided, single submitter. Criteria: Invitae Variant Classification Sherloc (09022015). Collection method: clinical testing. Allele origin: germline.

Breakthrough Genomics
Classification: Benign. Review status: criteria provided, single submitter. Criteria: ACMG Guidelines, 2015. Collection method: not provided. Allele origin: germline. Inheritance: Autosomal recessive inheritance. Affected: yes.

PreventionGenetics, part of Exact Sciences
Classification: Benign for HEPHL1-related condition. Last evaluated: 2019-10-29. Review status: no assertion criteria provided. Collection method: clinical testing. Allele origin: germline. Not counted in ClinVar's aggregate classification.
Comment: This variant is classified as benign based on ACMG/AMP sequence variant interpretation guidelines (Richards et al. 2015 PMID: 25741868, with internal and published modifications).

NM_001098672.2(HEPHL1):c.2262C>T (p.Phe754=)

Gene: HEPHL1 (hephaestin like 1; plus strand). Cytogenetic location: 11q21.
Variant type: single nucleotide variant.
Coding change: c.2262C>T on transcript NM_001098672.2 (MANE Select); coding-DNA position 2262, C replaced by T.
Protein change: p.Phe754=; no amino-acid change (phenylalanine 754 retained).
Molecular consequence: synonymous variant.
Genome position (GRCh38, 1-based): chr11:94,088,936, C>T. VCF-style: chr11-94088936-C-T. GRCh37 (hg19) VCF-style: chr11-93822102-C-T.
Identifiers: ClinVar variation 708536 (VCV000708536.29), dbSNP rs116956001, ClinGen allele CA6233451.